The following is an entry in ClinVar:

ClinVar aggregate classification (germline): Uncertain significance (1 of 4 stars; one submission).

Submission:

Labcorp Genetics (formerly Invitae), Labcorp
Classification: Uncertain significance. Last evaluated: 2022-10-17. Review status: criteria provided, single submitter. Criteria: Invitae Variant Classification Sherloc (09022015). Collection method: clinical testing. Allele origin: germline.
Comment: This variant results in a copy number gain of the genomic region encompassing exon(s) 42-43 of the EYS gene. This region includes the termination codon of the gene. This copy number gain extends beyond the assayed region for this gene and therefore may encompass additional genes. As the precise location of this event is unknown, it may be in tandem or it may be located elsewhere in the genome. This variant has not been reported in the literature in individuals affected with EYS-related conditions. In summary, the available evidence is currently insufficient to determine the role of this variant in disease. Therefore, it has been classified as a Variant of Uncertain Significance.

NC_000006.11:g.(?_64430492)_(64436593_?)dup

Gene: EYS (eyes shut homolog; minus strand). Cytogenetic location: 6q12.
Variant type: Duplication.
Identifiers: ClinVar variation 2423876 (VCV002423876.2).